The following is an entry in ClinVar:

ClinVar aggregate classification (germline): Uncertain significance (1 of 4 stars; one submission).

Submission:

Labcorp Genetics (formerly Invitae), Labcorp
Classification: Uncertain significance. Last evaluated: 2022-11-01. Review status: criteria provided, single submitter. Criteria: Invitae Variant Classification Sherloc (09022015). Collection method: clinical testing. Allele origin: germline.
Comment: This variant is not present in population databases (gnomAD no frequency). This sequence change replaces arginine, which is basic and polar, with glycine, which is neutral and non-polar, at codon 861 of the LARS2 protein (p.Arg861Gly). This variant has not been reported in the literature in individuals affected with LARS2-related conditions. In summary, the available evidence is currently insufficient to determine the role of this variant in disease. Therefore, it has been classified as a Variant of Uncertain Significance. Advanced modeling of protein sequence and biophysical properties (such as structural, functional, and spatial information, amino acid conservation, physicochemical variation, residue mobility, and thermodynamic stability) performed at Invitae indicates that this missense variant is not expected to disrupt LARS2 protein function.

NM_015340.4(LARS2):c.2581C>G (p.Arg861Gly)

Gene: LARS2 (leucyl-tRNA synthetase 2, mitochondrial; plus strand). Cytogenetic location: 3p21.31.
Variant type: single nucleotide variant.
Coding change: c.2581C>G on transcript NM_015340.4 (MANE Select); coding-DNA position 2581, C replaced by G.
Protein change: p.Arg861Gly; replaces arginine 861 with glycine.
Molecular consequence: missense variant.
Genome position (GRCh38, 1-based): chr3:45,547,399, C>G. VCF-style: chr3-45547399-C-G. GRCh37 (hg19) VCF-style: chr3-45588891-C-G.
Other names: c.2581C>G, p.Arg861Gly (NM_001368263.1); short protein forms R861G.
Identifiers: ClinVar variation 2016514 (VCV002016514.4), dbSNP rs556149785, ClinGen allele CA352431156.